The following is an entry in ClinVar:

NM_007294.4(BRCA1):c.2483G>C (p.Gly828Ala)

Gene: BRCA1 (BRCA1 DNA repair associated; minus strand). Cytogenetic location: 17q21.31.
Variant type: single nucleotide variant.
Coding change: c.2483G>C on transcript NM_007294.4 (MANE Select); coding-DNA position 2483, G replaced by C.
Protein change: p.Gly828Ala; replaces glycine 828 with alanine.
Molecular consequence: missense variant. On other transcripts: intron variant (137).
Genome position (GRCh38, 1-based): chr17:43,093,048, C>G on the plus strand (G>C on the coding strand, the complement: BRCA1 is on the minus strand). VCF-style: chr17-43093048-C-G. GRCh37 (hg19) VCF-style: chr17-41245065-C-G.
Other names: c.2480G>C, p.Gly827Ala (NM_001407630.1, NM_001407631.1, NM_001407632.1 and 22 more transcripts); c.2483G>C, p.Gly828Ala (NM_001407639.1, NM_001407640.1, NM_001407641.1 and 30 more transcripts); c.2474G>C, p.Gly825Ala (NM_001407646.1, NM_001407647.1); c.2360G>C, p.Gly787Ala (NM_001407648.1, NM_001407664.1, NM_001407665.1 and 19 more transcripts); c.2357G>C, p.Gly786Ala (NM_001407649.1, NM_001407670.1, NM_001407671.1 and 11 more transcripts); c.2405G>C, p.Gly802Ala (NM_001407653.1, NM_001407654.1, NM_001407655.1 and 4 more transcripts); c.2402G>C, p.Gly801Ala (NM_001407659.1, NM_001407660.1, NM_001407661.1 and 1 more transcripts); c.2342G>C, p.Gly781Ala (NM_001407692.1, NM_001407694.1, NM_001407695.1 and 29 more transcripts); and 41 more; short protein forms G701A, G716A, G757A, G780A, G786A, G802A, G740A, G828A.
Identifiers: ClinVar variation 1962155 (VCV001962155.7), dbSNP rs1555589578, ClinGen allele CA10597036.

ClinVar aggregate classification (germline): Conflicting classifications of pathogenicity. Review status: criteria provided, conflicting classifications (1 of 4 stars). 2 submissions from 2 submitters: Uncertain significance (1); Likely benign (1). Last evaluated 2025-10-15.

Conditions:
Hereditary cancer-predisposing syndrome. Also called: Hereditary Cancer Syndrome; Hereditary neoplastic syndrome; Tumor predisposition; Neoplastic Syndromes, Hereditary. Identifiers: Orphanet 140162, MedGen C0027672, MeSH D009386, MONDO:0015356.
Hereditary breast ovarian cancer syndrome. Also called: Hereditary breast and ovarian cancer syndrome (HBOC); BRCA1- and BRCA2-Associated Hereditary Breast and Ovarian Cancer; Hereditary breast and/or ovarian cancer syndrome; Hereditary breast and ovarian cancer; Breast and ovarian cancer; Hereditary breast and ovarian cancer syndrome. Identifiers: Orphanet 145, MedGen C0677776, MeSH D061325, MONDO:0003582. Disease mechanism: loss of function.

Submissions (2):

Labcorp Genetics (formerly Invitae), Labcorp
Classification: Uncertain significance for Hereditary breast ovarian cancer syndrome. Last evaluated: 2025-10-15. Review status: criteria provided, single submitter. Criteria: Invitae Variant Classification Sherloc (09022015). Collection method: clinical testing. Allele origin: germline.
Comment: This sequence change replaces glycine, which is neutral and non-polar, with alanine, which is neutral and non-polar, at codon 828 of the BRCA1 protein (p.Gly828Ala). This variant is not present in population databases (gnomAD no frequency). This variant has not been reported in the literature in individuals affected with BRCA1-related conditions. ClinVar contains an entry for this variant (Variation ID: 1962155). Invitae Evidence Modeling of protein sequence and biophysical properties (such as structural, functional, and spatial information, amino acid conservation, physicochemical variation, residue mobility, and thermodynamic stability) has been performed for this missense variant. However, the output from this modeling did not meet the statistical confidence thresholds required to predict the impact of this variant on BRCA1 protein function. In summary, the available evidence is currently insufficient to determine the role of this variant in disease. Therefore, it has been classified as a Variant of Uncertain Significance.

University of Washington Department of Laboratory Medicine, University of Washington
Classification: Likely benign for Hereditary cancer-predisposing syndrome. Last evaluated: 2023-03-23. Review status: criteria provided, single submitter. Criteria: Dines et al. (Genet Med. 2020). Collection method: curation. Allele origin: germline.
Comment: Missense variant in a coldspot region where missense variants are very unlikely to be pathogenic (PMID:31911673).

BRCA1 coldspot (exon 11 using historical exon numbering). Reclassification based on statistical prior probability